The following is an entry in ClinVar:

ClinVar aggregate classification (germline): Conflicting classifications of pathogenicity. Review status: criteria provided, conflicting classifications (1 of 4 stars). 2 submissions from 2 submitters: Uncertain significance (1); Likely benign (1). Last evaluated 2024-02-01.

Allele frequency attached by ClinVar (database versions not stated): gnomAD exomes 0.00001; ExAC 0.00006; TOPMed 0.00013; ESP Exome Variant Server 0.00015; 1000 Genomes Project 30x 0.00016; gnomAD 0.00017; 1000 Genomes Project 0.00020.
gnomAD v4.1: 43 of 1,604,418 alleles (0.0027%); highest among the groups gnomAD compares: African/African-American, 0.042%; no homozygotes.

Submissions (2):

Athena Diagnostics
Classification: Uncertain significance. Last evaluated: 2024-02-01. Review status: criteria provided, single submitter. Criteria: Athena Diagnostics Criteria. Collection method: clinical testing. Allele origin: unknown.
Comment: Available data are insufficient to determine the clinical significance of the variant at this time. The frequency of this variant in the general population is higher than would generally be expected for pathogenic variants in this gene. Computational tools predict that this variant is not damaging.

Ambry Genetics
Classification: Likely benign. Last evaluated: 2023-10-10. Review status: criteria provided, single submitter. Criteria: Ambry Variant Classification Scheme 2023. Collection method: clinical testing. Allele origin: germline.

NM_018319.4(TDP1):c.379A>G (p.Thr127Ala)

Genes: TDP1 (tyrosyl-DNA phosphodiesterase 1; plus strand), LOC126862019 (CDK7 strongly-dependent group 2 enhancer GRCh37_chr14:90429220-90430419; plus strand). Cytogenetic location: 14q32.11.
Variant type: single nucleotide variant.
Coding change: c.379A>G on transcript NM_018319.4 (MANE Select); coding-DNA position 379, A replaced by G.
Protein change: p.Thr127Ala; replaces threonine 127 with alanine.
Molecular consequence: missense variant.
Genome position (GRCh38, 1-based): chr14:89,963,493, A>G. VCF-style: chr14-89963493-A-G. GRCh37 (hg19) VCF-style: chr14-90429837-A-G.
Other names: c.379A>G, p.Thr127Ala (NM_001008744.2, NM_001330205.2); short protein forms T127A.
Identifiers: ClinVar variation 3175412 (VCV003175412.2), dbSNP rs200900192, ClinGen allele CA7303572.